The following is an entry in ClinVar:

NM_003388.5(CLIP2):c.1970A>G (p.Lys657Arg)

Gene: CLIP2 (CAP-Gly domain containing linker protein 2; plus strand). Cytogenetic location: 7q11.23.
Variant type: single nucleotide variant.
Coding change: c.1970A>G on transcript NM_003388.5 (MANE Select); coding-DNA position 1970, A replaced by G.
Protein change: p.Lys657Arg; replaces lysine 657 with arginine.
Molecular consequence: missense variant.
Genome position (GRCh38, 1-based): chr7:74,376,371, A>G. VCF-style: chr7-74376371-A-G. GRCh37 (hg19) VCF-style: chr7-73790701-A-G.
Other names: c.1865A>G, p.Lys622Arg (NM_032421.3); short protein forms K622R, K657R.
Identifiers: ClinVar variation 3338493 (VCV003338493.1).

ClinVar aggregate classification (germline): Uncertain significance (1 of 4 stars; one submission).

Submission:

Greenwood Genetic Center Diagnostic Laboratories, Greenwood Genetic Center
Classification: Uncertain significance. Last evaluated: 2024-05-08. Review status: criteria provided, single submitter. Criteria: ACMG Guidelines, 2015. Collection method: clinical testing. Allele origin: germline. Affected: yes.
Comment: Gene of Uncertain Significance